The following is an entry in ClinVar:

NM_001378418.1(TCF20):c.3622A>G (p.Ser1208Gly)

Gene: TCF20 (transcription factor 20; minus strand). Cytogenetic location: 22q13.2.
Variant type: single nucleotide variant.
Coding change: c.3622A>G on transcript NM_001378418.1 (MANE Select); coding-DNA position 3622, A replaced by G.
Protein change: p.Ser1208Gly; replaces serine 1208 with glycine.
Molecular consequence: missense variant.
Genome position (GRCh38, 1-based): chr22:42,211,684, T>C on the plus strand (A>G on the coding strand, the complement: TCF20 is on the minus strand). VCF-style: chr22-42211684-T-C. GRCh37 (hg19) VCF-style: chr22-42607690-T-C.
Other names: c.3622A>G (NM_005650.1, NM_005650.3); c.3622A>G, p.Ser1208Gly (NM_005650.4, NM_181492.3); short protein forms S1208G.
Identifiers: ClinVar variation 2158050 (VCV002158050.6), dbSNP rs200272467, ClinGen allele CA10266797.

ClinVar aggregate classification (germline): Conflicting classifications of pathogenicity. Review status: criteria provided, conflicting classifications (1 of 4 stars). 3 submissions from 3 submitters: Uncertain significance (2); Likely benign (1). Last evaluated 2026-04-01.

Conditions:
TCF20-related disorder. Also called: TCF20-related condition.
Inborn genetic diseases. Identifiers: MedGen C0950123, MeSH D030342.

Allele frequency attached by ClinVar (database versions not stated): gnomAD exomes below 0.00001; ExAC 0.00001; gnomAD 0.00002; TOPMed 0.00002; 1000 Genomes Project 30x 0.00016; 1000 Genomes Project 0.00020.

Submissions (3):

PreventionGenetics, part of Exact Sciences
Classification: Uncertain significance for TCF20-related condition. Last evaluated: 2026-04-01. Review status: criteria provided, single submitter. Criteria: ACMG Guidelines, 2015. Collection method: clinical testing. Allele origin: germline.
Comment: The TCF20 c.3622A>G variant is predicted to result in the amino acid substitution p.Ser1208Gly. To our knowledge, this variant has not been reported in the literature. This variant is reported in 0.0% of alleles in individuals of African descent in gnomAD. At this time, the clinical significance of this variant is uncertain due to the absence of conclusive functional and genetic evidence.

Labcorp Genetics (formerly Invitae), Labcorp
Classification: Likely benign. Last evaluated: 2025-12-23. Review status: criteria provided, single submitter. Criteria: Invitae Variant Classification Sherloc (09022015). Collection method: clinical testing. Allele origin: germline.

Ambry Genetics
Classification: Uncertain significance for Inborn genetic diseases. Last evaluated: 2024-02-21. Review status: criteria provided, single submitter. Criteria: Ambry Variant Classification Scheme 2023. Collection method: clinical testing. Allele origin: germline.